The following is an entry in ClinVar:

ClinVar aggregate classification (germline): Pathogenic/Likely pathogenic. Review status: criteria provided, multiple submitters, no conflicts (2 of 4 stars). 7 submissions from 6 submitters: Pathogenic (5); Likely pathogenic (1). 1 of the submissions does not count toward it. Last evaluated 2024-02-09.

Conditions:
Hereditary cancer-predisposing syndrome. Also called: Hereditary Cancer Syndrome; Neoplastic Syndromes, Hereditary; Hereditary neoplastic syndrome; Tumor predisposition. Identifiers: Orphanet 140162, MedGen C0027672, MeSH D009386, MONDO:0015356.
Hereditary breast ovarian cancer syndrome. Also called: BRCA1- and BRCA2-Associated Hereditary Breast and Ovarian Cancer; Hereditary breast and ovarian cancer syndrome; Hereditary breast and/or ovarian cancer syndrome; Breast and ovarian cancer; Hereditary breast and ovarian cancer; Hereditary breast and ovarian cancer syndrome (HBOC). Identifiers: Orphanet 145, MedGen C0677776, MeSH D061325, MONDO:0003582. Disease mechanism: loss of function.
Nijmegen breakage syndrome-like disorder (NBSLD). Also called: MICROCEPHALY AND SPONTANEOUS CHROMOSOME INSTABILITY WITHOUT IMMUNODEFICIENCY; NBS-LIKE DISORDER; RAD50 DEFICIENCY. Identifiers: Orphanet 240760, MedGen C2751318, MONDO:0013118, OMIM 613078.

Submissions (7):

Fulgent Genetics
Classification: Pathogenic for Nijmegen breakage syndrome-like disorder. Last evaluated: 2024-02-09. Review status: criteria provided, single submitter. Criteria: ACMG Guidelines, 2015. Collection method: clinical testing. Allele origin: germline.

Labcorp Genetics (formerly Invitae), Labcorp
Classification: Pathogenic for Hereditary cancer-predisposing syndrome. Last evaluated: 2023-12-21. Review status: criteria provided, single submitter. Criteria: Invitae Variant Classification Sherloc (09022015). Collection method: clinical testing. Allele origin: germline.
Comment: This sequence change creates a premature translational stop signal (p.Gln575Thrfs*3) in the RAD50 gene. It is expected to result in an absent or disrupted protein product. Loss-of-function variants in RAD50 are known to be pathogenic (PMID: 19409520). This variant is not present in population databases (gnomAD no frequency). This premature translational stop signal has been observed in individual(s) with hereditary cancer (PMID: 16385572, 19409520, 24763289). ClinVar contains an entry for this variant (Variation ID: 142556). For these reasons, this variant has been classified as Pathogenic.

Women's Health and Genetics/Laboratory Corporation of America, LabCorp
Classification: Pathogenic for Hereditary breast ovarian cancer syndrome. Last evaluated: 2023-11-20. Review status: criteria provided, single submitter. Criteria: LabCorp Variant Classification Summary - May 2015. Collection method: clinical testing. Allele origin: germline.
Comment: Variant summary: RAD50 c.1722dupA (p.Gln575ThrfsX3) results in a premature termination codon, predicted to cause a truncation of the encoded protein or absence of the protein due to nonsense mediated decay, which are commonly known mechanisms for disease. The variant allele was found at a frequency of 4e-06 in 251222 control chromosomes. c.1722dupA has been reported in the literature in individuals affected with breast cancer (e.g. Bucalo_2023). To our knowledge, no experimental evidence demonstrating an impact on protein function has been reported. The following publication has been ascertained in the context of this evaluation (PMID: 37262986). Four submitters have cited clinical-significance assessments for this variant to ClinVar after 2014. All submitters classified the variant as pathogenic/likely pathogenic. Based on the evidence outlined above, the variant was classified as pathogenic.

Ambry Genetics
Classification: Pathogenic for Hereditary cancer-predisposing syndrome. Last evaluated: 2023-04-10. Review status: criteria provided, single submitter. Criteria: Ambry Variant Classification Scheme 2023. Collection method: clinical testing. Allele origin: germline.
Comment: The c.1722dupA pathogenic mutation, located in coding exon 11 of the RAD50 gene, results from a duplication of A at nucleotide position 1722, causing a translational frameshift with a predicted alternate stop codon (p.Q575Tfs*3). This alteration is expected to result in loss of function by premature protein truncation or nonsense-mediated mRNA decay. This variant is considered to be rare based on population cohorts in the Genome Aggregation Database (gnomAD). As such, this alteration is interpreted as a disease-causing mutation.

Quest Diagnostics Nichols Institute San Juan Capistrano
Classification: Pathogenic. Last evaluated: 2023-01-10. Review status: criteria provided, single submitter. Criteria: Quest Diagnostics criteria. Collection method: clinical testing. Allele origin: unknown.
Comment: This frameshift variant alters the translational reading frame of the RAD50 mRNA and causes the premature termination of RAD50 protein synthesis. The frequency of this variant in the general population, 0.000004 (1/251222 chromosomes), is consistent with pathogenicity. In the published literature, the variant has been reported in an individual undergoing hereditary cancer predisposition testing (PMID: 24763289 (2014)). Based on the available information, this variant is classified as pathogenic.

Revvity Omics, Revvity
Classification: Likely pathogenic for Nijmegen breakage syndrome-like disorder. Last evaluated: 2021-06-25. Review status: criteria provided, single submitter. Criteria: ACMG Guidelines, 2015. Collection method: clinical testing. Allele origin: germline.

Ambry Genetics
Classification: Pathogenic for Hereditary cancer-predisposing syndrome. Last evaluated: 2013-05-08. Review status: flagged submission. Criteria: Ambry Autosomal Dominant and X-Linked criteria (10/2015). Collection method: clinical testing. Allele origin: germline. Observed: 1 variant allele. Not counted in ClinVar's aggregate classification.
Comment: Lines of evidence used in support of classification: Alterations resulting in premature truncation (e.g.reading frame shift, nonsense)
ClinVar note: Reason: This record appears to be redundant with a more recent record from the same submitter.
ClinVar note: Notes: SCV000186793 appears to be redundant with SCV000663676.

Literature cited by the submitters: PubMed 19409520 (cited by Labcorp Genetics (formerly Invitae), Labcorp); PubMed 16385572 (cited by Labcorp Genetics (formerly Invitae), Labcorp); PubMed 24763289 (cited by 3 submitters); PubMed 37262986 (cited by Women's Health and Genetics/Laboratory Corporation of America, LabCorp); PubMed 31589614 (cited by Quest Diagnostics Nichols Institute San Juan Capistrano).

NM_005732.4(RAD50):c.1722dup (p.Gln575fs)

Gene: RAD50 (RAD50 double strand break repair protein; plus strand). Cytogenetic location: 5q31.1.
Variant type: Duplication.
Coding change: c.1722dup on transcript NM_005732.4 (MANE Select); coding-DNA position 1722, one base duplicated (A; older notation c.1722dupA).
Protein change: p.Gln575fs; shifts the reading frame from glutamine 575.
Molecular consequence: frameshift variant.
Genome position (GRCh38, 1-based): chr5:132,591,963, A duplicated; the last of 6 consecutive A bases (chr5:132,591,958-132,591,963); duplicating any one gives the same sequence. VCF-style (leftmost placement, unchanged base first): chr5-132591957-C-CA. GRCh37 (hg19) VCF-style: chr5-131927649-C-CA.
Other names: c.1722dupA (NM_005732.3, NM_005732.4); short protein forms Q575fs.
Identifiers: ClinVar variation 142556 (VCV000142556.20), dbSNP rs587782543, ClinGen allele CA168697.